The following is an entry in ClinVar:

ClinVar aggregate classification (germline): Uncertain significance. Review status: criteria provided, multiple submitters, no conflicts (2 of 4 stars). 3 submissions from 3 submitters: Uncertain significance (3). Last evaluated 2024-09-03.

Conditions:
Inborn genetic diseases. Identifiers: MedGen C0950123, MeSH D030342.

Allele frequency attached by ClinVar (database versions not stated): TOPMed 0.00004.
gnomAD v4.1: 150 of 1,611,952 alleles (0.0093%); highest among the groups gnomAD compares: Middle Eastern, 0.033%; no homozygotes.

Submissions (3):

Ambry Genetics
Classification: Uncertain significance for Inborn genetic diseases. Last evaluated: 2024-09-03. Review status: criteria provided, single submitter. Criteria: Ambry Variant Classification Scheme 2023. Collection method: clinical testing. Allele origin: germline.

Labcorp Genetics (formerly Invitae), Labcorp
Classification: Uncertain significance. Last evaluated: 2022-02-12. Review status: criteria provided, single submitter. Criteria: Invitae Variant Classification Sherloc (09022015). Collection method: clinical testing. Allele origin: germline.
Comment: This sequence change replaces arginine, which is basic and polar, with cysteine, which is neutral and slightly polar, at codon 527 of the KIAA1549 protein (p.Arg527Cys). This variant is present in population databases (rs768849251, gnomAD 0.01%). This variant has not been reported in the literature in individuals affected with KIAA1549-related conditions. ClinVar contains an entry for this variant (Variation ID: 1016953). Algorithms developed to predict the effect of missense changes on protein structure and function are either unavailable or do not agree on the potential impact of this missense change (SIFT: "Deleterious"; PolyPhen-2: "Benign"; Align-GVGD: "Class C0"). In summary, the available evidence is currently insufficient to determine the role of this variant in disease. Therefore, it has been classified as a Variant of Uncertain Significance.

Breakthrough Genomics
Classification: Uncertain significance. Review status: criteria provided, single submitter. Criteria: ACMG Guidelines, 2015. Collection method: not provided. Allele origin: germline. Inheritance: Autosomal recessive inheritance. Affected: yes.

NM_001164665.2(KIAA1549):c.1579C>T (p.Arg527Cys)

Gene: KIAA1549 (KIAA1549; minus strand). Cytogenetic location: 7q34.
Variant type: single nucleotide variant.
Coding change: c.1579C>T on transcript NM_001164665.2 (MANE Select); coding-DNA position 1579, C replaced by T.
Protein change: p.Arg527Cys; replaces arginine 527 with cysteine.
Molecular consequence: missense variant.
Genome position (GRCh38, 1-based): chr7:138,918,047, G>A on the plus strand (C>T on the coding strand, the complement: KIAA1549 is on the minus strand). VCF-style: chr7-138918047-G-A. GRCh37 (hg19) VCF-style: chr7-138602793-G-A.
Other names: c.1579C>T, p.Arg527Cys (NM_020910.3); c.1579C>T (NM_001164665.1); short protein forms R527C.
Identifiers: ClinVar variation 1016953 (VCV001016953.7), dbSNP rs768849251, ClinGen allele CA4506684.